The following is an entry in ClinVar:

ClinVar aggregate classification (germline): Uncertain significance. Review status: criteria provided, multiple submitters, no conflicts (2 of 4 stars). 5 submissions from 5 submitters: Uncertain significance (4). 1 of the submissions does not count toward it. Last evaluated 2025-12-09.

Conditions:
Arthrogryposis multiplex congenita 6. Identifiers: MedGen C5543431, MONDO:0030281, OMIM 619334.
Nemaline myopathy 2 (NEM2). Also called: Nemaline myopathy 2, autosomal recessive. Identifiers: MedGen C1850569, MONDO:0009725, OMIM 256030.

Allele frequency attached by ClinVar (database versions not stated): gnomAD exomes 0.00001 and 0.00004; ExAC 0.00004; gnomAD 0.00001 and 0.00002; TOPMed below 0.00001.
gnomAD v4.1: 27 of 1,613,834 alleles (0.0017%); highest among the groups gnomAD compares: South Asian, 0.021%; no homozygotes.

Submissions (5):

GeneDx
Classification: Uncertain significance. Last evaluated: 2025-12-09. Review status: criteria provided, single submitter. Criteria: GeneDx Variant Classification Process June 2021. Collection method: clinical testing. Allele origin: germline. Affected: yes.
Comment: In silico analysis suggests that this missense variant does not alter protein structure/function; Has not been previously published as pathogenic or benign to our knowledge

Revvity Omics, Revvity
Classification: Uncertain significance. Last evaluated: 2025-06-18. Review status: criteria provided, single submitter. Criteria: ACMG Guidelines, 2015. Collection method: clinical testing. Allele origin: germline.

Labcorp Genetics (formerly Invitae), Labcorp
Classification: Uncertain significance for Nemaline myopathy 2. Last evaluated: 2024-01-02. Review status: criteria provided, single submitter. Criteria: Invitae Variant Classification Sherloc (09022015). Collection method: clinical testing. Allele origin: germline.
Comment: This sequence change replaces lysine, which is basic and polar, with arginine, which is basic and polar, at codon 3810 of the NEB protein (p.Lys3810Arg). This variant is present in population databases (rs562419268, gnomAD 0.03%). This variant has not been reported in the literature in individuals affected with NEB-related conditions. ClinVar contains an entry for this variant (Variation ID: 1013877). Experimental studies and prediction algorithms are not available or were not evaluated, and the functional significance of this variant is currently unknown. In summary, the available evidence is currently insufficient to determine the role of this variant in disease. Therefore, it has been classified as a Variant of Uncertain Significance.

Neuberg Centre For Genomic Medicine, NCGM
Classification: Uncertain significance for Arthrogryposis multiplex congenita 6. Review status: criteria provided, single submitter. Criteria: ACMG Guidelines, 2015. Collection method: clinical testing. Allele origin: germline. Inheritance: Autosomal recessive inheritance. Affected: yes.
Comment: The observed missense variant c.11429A>Gp.Lys3810Arg in the NEB gene has not been reported previously as a pathogenic variant nor as a benign variant, to our knowledge. This variant is reported with the allele frequency 0.004% in the gnomAD Exomes. This variant has been reported to the ClinVar database as Uncertain Significance. However, no details are available for independent assessment. The amino acid Lys at position 3810 is changed to a Arg changing protein sequence and it might alter its composition and physico- chemical properties. Multiple lines of computational evidence Polyphen - Probably damaging, SIFT - Damaging and MutationTaster - Disease causing predict a damaging effect on protein structure and function for this variant. The residue is conserved by GERP++ and PhyloP across 100 vertebrates. For these reasons, this variant has been classified as Uncertain Significance.

Natera, Inc.
Classification: Uncertain significance for Nemaline myopathy type 2. Last evaluated: 2020-05-10. Review status: no assertion criteria provided. Collection method: clinical testing. Allele origin: germline. Not counted in ClinVar's aggregate classification.

NM_001164508.2(NEB):c.11429A>G (p.Lys3810Arg)

Gene: NEB (nebulin; minus strand). Cytogenetic location: 2q23.3.
Variant type: single nucleotide variant.
Coding change: c.11429A>G on transcript NM_001164508.2 (MANE Select); coding-DNA position 11429, A replaced by G.
Protein change: p.Lys3810Arg; replaces lysine 3810 with arginine.
Molecular consequence: missense variant.
Genome position (GRCh38, 1-based): chr2:151,614,448, T>C on the plus strand (A>G on the coding strand, the complement: NEB is on the minus strand). VCF-style: chr2-151614448-T-C. GRCh37 (hg19) VCF-style: chr2-152470962-T-C.
Other names: c.11429A>G, p.Lys3810Arg (NM_001164507.2, NM_001271208.2); c.10700A>G, p.Lys3567Arg (NM_004543.5); c.11429A>G (NM_001271208.1); short protein forms K3567R, K3810R.
Identifiers: ClinVar variation 1013877 (VCV001013877.12), dbSNP rs562419268, ClinGen allele CA1908755.